The following is an entry in ClinVar:

ClinVar aggregate classification (germline): Uncertain significance (1 of 4 stars; one submission).

Conditions:
Hereditary sensory neuropathy-deafness-dementia syndrome. Also called: Hereditary Sensory and Autonomic Neuropathy Type 1E (HSAN1E); NEUROPATHY, HEREDITARY SENSORY, WITH HEARING LOSS AND DEMENTIA; Hereditary sensory neuropathy type IE; HSN IE. Identifiers: Orphanet 456318, MedGen C3279885, MONDO:0013584, OMIM 614116.

Allele frequency attached by ClinVar (database versions not stated): TOPMed 0.00001; gnomAD 0.00002; gnomAD exomes 0.00002; ExAC 0.00003.
gnomAD v4.1: 33 of 1,605,708 alleles (0.0021%); highest among the groups gnomAD compares: South Asian, 0.0055%; no homozygotes.

Submission:

Labcorp Genetics (formerly Invitae), Labcorp
Classification: Uncertain significance for Hereditary sensory neuropathy-deafness-dementia syndrome. Last evaluated: 2025-10-13. Review status: criteria provided, single submitter. Criteria: Invitae Variant Classification Sherloc (09022015). Collection method: clinical testing. Allele origin: germline.
Comment: This sequence change replaces arginine, which is basic and polar, with cysteine, which is neutral and slightly polar, at codon 355 of the DNMT1 protein (p.Arg355Cys). This variant is present in population databases (rs747668607, gnomAD 0.007%). This variant has not been reported in the literature in individuals affected with DNMT1-related conditions. ClinVar contains an entry for this variant (Variation ID: 937520). Invitae Evidence Modeling of protein sequence and biophysical properties (such as structural, functional, and spatial information, amino acid conservation, physicochemical variation, residue mobility, and thermodynamic stability) indicates that this missense variant is not expected to disrupt DNMT1 protein function with a negative predictive value of 80%. In summary, the available evidence is currently insufficient to determine the role of this variant in disease. Therefore, it has been classified as a Variant of Uncertain Significance.

NM_001130823.3(DNMT1):c.1063C>T (p.Arg355Cys)

Gene: DNMT1 (DNA methyltransferase 1; minus strand). Cytogenetic location: 19p13.2.
Variant type: single nucleotide variant.
Coding change: c.1063C>T on transcript NM_001130823.3 (MANE Select); coding-DNA position 1063, C replaced by T.
Protein change: p.Arg355Cys; replaces arginine 355 with cysteine.
Molecular consequence: missense variant.
Genome position (GRCh38, 1-based): chr19:10,160,044, G>A on the plus strand (C>T on the coding strand, the complement: DNMT1 is on the minus strand). VCF-style: chr19-10160044-G-A. GRCh37 (hg19) VCF-style: chr19-10270720-G-A.
Other names: c.1015C>T, p.Arg339Cys (NM_001318730.2, NM_001379.4); c.700C>T, p.Arg234Cys (NM_001318731.2); short protein forms R355C, R234C, R339C.
Identifiers: ClinVar variation 937520 (VCV000937520.9), dbSNP rs747668607, ClinGen allele CA9188410.